The following is an entry in ClinVar:

ClinVar aggregate classification (germline): Uncertain significance. Review status: criteria provided, multiple submitters, no conflicts (2 of 4 stars). 4 submissions from 4 submitters: Uncertain significance (3). 1 of the submissions does not count toward it. Last evaluated 2025-05-13.

Conditions:
Hypercholesterolemia, familial, 4 (FHCL4). Also called: HYPERCHOLESTEROLEMIA, AUTOSOMAL RECESSIVE, 1; HYPERCHOLESTEROLEMIA, AUTOSOMAL RECESSIVE, 2. Identifiers: Orphanet 391665, MedGen C1863512, MONDO:0011374, OMIM 603813.
Cardiovascular phenotype. Identifiers: MedGen CN230736.
Familial hypercholesterolemia. Also called: Familial hypercholesterolemias; Familial hypercholesterolaemia. Identifiers: MedGen C0020445, MONDO:0005439.

Allele frequency attached by ClinVar (database versions not stated): ExAC 0.00001; gnomAD exomes 0.00001 and 0.00002.
gnomAD v4.1: 34 of 1,613,874 alleles (0.0021%); highest among the groups gnomAD compares: Middle Eastern, 0.033%; no homozygotes.

Submissions (4):

Labcorp Genetics (formerly Invitae), Labcorp
Classification: Uncertain significance for Hypercholesterolemia, familial, 4. Last evaluated: 2025-05-13. Review status: criteria provided, single submitter. Criteria: Invitae Variant Classification Sherloc (09022015). Collection method: clinical testing. Allele origin: germline.
Comment: This sequence change replaces valine, which is neutral and non-polar, with methionine, which is neutral and non-polar, at codon 75 of the LDLRAP1 protein (p.Val75Met). This variant is present in population databases (rs767491845, gnomAD 0.003%). This variant has not been reported in the literature in individuals affected with LDLRAP1-related conditions. ClinVar contains an entry for this variant (Variation ID: 917584). Invitae Evidence Modeling of protein sequence and biophysical properties (such as structural, functional, and spatial information, amino acid conservation, physicochemical variation, residue mobility, and thermodynamic stability) indicates that this missense variant is not expected to disrupt LDLRAP1 protein function with a negative predictive value of 80%. In summary, the available evidence is currently insufficient to determine the role of this variant in disease. Therefore, it has been classified as a Variant of Uncertain Significance.

Ambry Genetics
Classification: Uncertain significance for Cardiovascular phenotype. Last evaluated: 2024-12-09. Review status: criteria provided, single submitter. Criteria: Ambry Variant Classification Scheme 2023. Collection method: clinical testing. Allele origin: germline.
Comment: The p.V75M variant (also known as c.223G>A), located in coding exon 2 of the LDLRAP1 gene, results from a G to A substitution at nucleotide position 223. The valine at codon 75 is replaced by methionine, an amino acid with highly similar properties. This amino acid position is conserved. In addition, this alteration is predicted to be tolerated by in silico analysis. Based on the available evidence, the clinical significance of this variant remains unclear.

Women's Health and Genetics/Laboratory Corporation of America, LabCorp
Classification: Uncertain significance. Last evaluated: 2020-01-20. Review status: criteria provided, single submitter. Criteria: LabCorp Variant Classification Summary - May 2015. Collection method: clinical testing. Allele origin: germline.
Comment: Variant summary: LDLRAP1 c.223G>A (p.Val75Met) results in a conservative amino acid change located in the PTB/PI domain of the encoded protein sequence. Three of five in-silico tools predict a damaging effect of the variant on protein function. The variant allele was found at a frequency of 8e-06 in 250494 control chromosomes. The available data on variant occurrences in the general population are insufficient to allow any conclusion about variant significance. To our knowledge, no occurrence of c.223G>A in individuals affected with Early Onset Coronary Artery Disease and no experimental evidence demonstrating its impact on protein function have been reported. No clinical diagnostic laboratories have submitted clinical-significance assessments for this variant to ClinVar after 2014. Based on the evidence outlined above, the variant was classified as uncertain significance.

Natera, Inc.
Classification: Uncertain significance for Familial hypercholesterolemia. Last evaluated: 2020-07-26. Review status: no assertion criteria provided. Collection method: clinical testing. Allele origin: germline. Not counted in ClinVar's aggregate classification.

NM_015627.3(LDLRAP1):c.223G>A (p.Val75Met)

Gene: LDLRAP1 (low density lipoprotein receptor adaptor protein 1; plus strand). Cytogenetic location: 1p36.11.
Variant type: single nucleotide variant.
Coding change: c.223G>A on transcript NM_015627.3 (MANE Select); coding-DNA position 223, G replaced by A.
Protein change: p.Val75Met; replaces valine 75 with methionine.
Molecular consequence: missense variant.
Genome position (GRCh38, 1-based): chr1:25,554,056, G>A. VCF-style: chr1-25554056-G-A. GRCh37 (hg19) VCF-style: chr1-25880547-G-A.
Other names: short protein forms V75M.
Identifiers: ClinVar variation 917584 (VCV000917584.4), dbSNP rs767491845, ClinGen allele CA695465.